The following is an entry in ClinVar:

NM_021629.4(GNB4):c.97-1_98del

Gene: GNB4 (G protein subunit beta 4; minus strand). Cytogenetic location: 3q26.33.
Variant type: Deletion.
Coding change: c.97-1_98del on transcript NM_021629.4 (MANE Select); the canonical splice acceptor site of the intron before coding-DNA position 97 through coding-DNA position 98, 3 bases deleted (GAT; older notation c.97-1_98delGAT).
Molecular consequence: splice acceptor variant.
Genome position (GRCh38, 1-based): chr3:179,419,504-179,419,506, ATC deleted on the plus strand (GAT on the coding strand, the reverse complement: GNB4 is on the minus strand). VCF-style (leftmost placement, unchanged base first): chr3-179419503-AATC-A. GRCh37 (hg19) VCF-style: chr3-179137291-AATC-A.
Identifiers: ClinVar variation 1524691 (VCV001524691.6), dbSNP rs776641307, ClinGen allele CA2712580.

ClinVar aggregate classification (germline): Uncertain significance (1 of 4 stars; one submission).

Conditions:
Charcot-Marie-Tooth disease dominant intermediate F. Identifiers: Orphanet 352670, MedGen C4749463, MONDO:0014074, OMIM 615185.

Allele frequency attached by ClinVar (database versions not stated): gnomAD exomes below 0.00001; ExAC 0.00001.

Submission:

Labcorp Genetics (formerly Invitae), Labcorp
Classification: Uncertain significance for Charcot-Marie-Tooth disease dominant intermediate F. Last evaluated: 2021-02-16. Review status: criteria provided, single submitter. Criteria: Invitae Variant Classification Sherloc (09022015). Collection method: clinical testing. Allele origin: germline.
Comment: This variant has been observed in individual(s) with clinical features of Charcot-Marie-Tooth disease (Invitae). This variant is present in population databases (rs776641307, ExAC 0.001%). This variant results in the deletion of part of exon 4 (c.97-1_98del) of the GNB4 gene. It is expected to disrupt RNA splicing. Variants that disrupt the donor or acceptor splice site typically lead to a loss of protein function (PMID: 16199547), however the current clinical and genetic evidence is not sufficient to establish whether loss-of-function variants in GNB4 cause disease. Algorithms developed to predict the effect of sequence changes on RNA splicing suggest that this variant may disrupt the consensus splice site, but this prediction has not been confirmed by published transcriptional studies. In summary, the available evidence is currently insufficient to determine the role of this variant in disease. Therefore, it has been classified as a Variant of Uncertain Significance.

Literature cited by the submitters: PubMed 16199547.